The following is an entry in ClinVar:

ClinVar aggregate classification (germline): Conflicting classifications of pathogenicity. Review status: criteria provided, conflicting classifications (1 of 4 stars). 4 submissions from 4 submitters: Pathogenic (1); Uncertain significance (2); Likely benign (1). Last evaluated 2025-09-05.

Conditions:
Hereditary cancer-predisposing syndrome. Also called: Hereditary Cancer Syndrome; Neoplastic Syndromes, Hereditary; Hereditary neoplastic syndrome; Tumor predisposition. Identifiers: Orphanet 140162, MedGen C0027672, MeSH D009386, MONDO:0015356.
Familial cancer of breast. Also called: Hereditary breast cancer; hereditary breast carcinoma; BREAST CANCER, FAMILIAL. Identifiers: Orphanet 227535, MedGen C0346153, MONDO:0016419, OMIM 114480. Disease mechanism: loss of function.

Submissions (4):

Color Diagnostics, LLC DBA Color Health
Classification: Uncertain significance for Hereditary cancer-predisposing syndrome. Last evaluated: 2025-09-05. Review status: criteria provided, single submitter. Criteria: ACMG Guidelines, 2015. Collection method: clinical testing. Allele origin: germline.
Comment: This variant causes a G to A nucleotide substitution at the -1 position of intron 3 of the PALB2 gene. Computational splicing predictions have indicated the disruption of the intron 3 splice acceptor site and the activation of a cryptic out-of-frame acceptor site in exon 4 (PMID: 30661751, 35449021). A minigene assay has shown that the variant causes skipping of exon 4 and 5 (PMID: 30890586), which is expected to result in an absent or disrupted protein product. However, the PALB2 Variant Curation Expert Panel has raised the possible skipping of exon 4, c.212_1684del (p.Glu71_Lys561del), that may produce a functional protein product (PMID: 17200672). To our knowledge, this variant has not been reported in individuals affected with hereditary cancer in the literature. An external laboratory has reported in ClinVar that carriers of this and another variant disruptive of this acceptor site have personal and family health histories that are similar to individuals lacking a pathogenic variant in the PALB2 gene (ClinVar accession: SCV006088946.1, SCV006093018.1). This variant has not been identified in the general population by the Genome Aggregation Database (gnomAD). Loss of PALB2 function is a known mechanism of disease. The available evidence is insufficient to determine the role of this variant in disease conclusively. Therefore, this variant is classified as a Variant of Uncertain Significance.

Myriad Genetics, Inc.
Classification: Likely benign for Familial cancer of breast. Last evaluated: 2025-01-10. Review status: criteria provided, single submitter. Criteria: Myriad Autosomal Dominant, Autosomal Recessive and X-Linked Classification Criteria (2023). Collection method: clinical testing. Allele origin: unknown.
Comment: This is a canonical splice variant classified as likely benign. The classification is based on an internal history weighting algorithm that has been validated and shown to have greater than 99.5% positive and negative predictive values [PMID: 25085752]. The algorithm shows this variant is not strongly associated with more severe personal and family histories of cancer which would be expected if this variant were disease causing. Curve available upon request.

Ambry Genetics
Classification: Uncertain significance for Hereditary cancer-predisposing syndrome. Last evaluated: 2024-08-21. Review status: criteria provided, single submitter. Criteria: Ambry Variant Classification Scheme 2023. Collection method: clinical testing. Allele origin: germline.
Comment: The c.212-1G>A intronic variant results from a G to A substitution one nucleotide upstream from coding exon 4 of the PALB2 gene. This nucleotide position is highly conserved in available vertebrate species. In silico splice site analysis predicts that this alteration will weaken the native splice acceptor site and may result in the creation or strengthening of a novel splice acceptor site. The resulting transcript is predicted to be in-frame and is not expected to trigger nonsense-mediated mRNA decay; however, direct evidence is insufficient at this time (Ambry internal data). A minigene assay has shown that this variant causes skipping of exons 4 and 5, however, this splicing event was also detected in control samples and the wildtype minigene (Lopez-Perolio I et al. J Med Genet, 2019 Jul;56:453-460). Since supporting evidence is limited at this time, the clinical significance of this alteration remains unclear.

Labcorp Genetics (formerly Invitae), Labcorp
Classification: Pathogenic for Familial cancer of breast. Last evaluated: 2022-05-19. Review status: criteria provided, single submitter. Criteria: Invitae Variant Classification Sherloc (09022015). Collection method: clinical testing. Allele origin: germline.
Comment: For these reasons, this variant has been classified as Pathogenic. Studies have shown that disruption of this splice site alters mRNA splicing and is expected to lead to the loss of protein expression (PMID: 30890586). ClinVar contains an entry for this variant (Variation ID: 921112). This variant has not been reported in the literature in individuals affected with PALB2-related conditions. This variant is not present in population databases (gnomAD no frequency). This sequence change affects an acceptor splice site in intron 3 of the PALB2 gene. It is expected to disrupt RNA splicing. Variants that disrupt the donor or acceptor splice site typically lead to a loss of protein function (PMID: 16199547), and loss-of-function variants in PALB2 are known to be pathogenic (PMID: 17200668, 17200671, 17200672, 24136930, 25099575).

Literature cited by the submitters: PubMed 17200672 (cited by Color Diagnostics, LLC DBA Color Health and Labcorp Genetics (formerly Invitae), Labcorp); PubMed 30661751 (cited by Color Diagnostics, LLC DBA Color Health); PubMed 30890586 (cited by 3 submitters); PubMed 35449021 (cited by Color Diagnostics, LLC DBA Color Health); PubMed 25085752 (cited by Myriad Genetics, Inc.); PubMed 16199547 (cited by Labcorp Genetics (formerly Invitae), Labcorp); PubMed 17200668 (cited by Labcorp Genetics (formerly Invitae), Labcorp); PubMed 17200671 (cited by Labcorp Genetics (formerly Invitae), Labcorp); PubMed 24136930 (cited by Labcorp Genetics (formerly Invitae), Labcorp); PubMed 25099575 (cited by Labcorp Genetics (formerly Invitae), Labcorp).

NM_024675.4(PALB2):c.212-1G>A

Gene: PALB2 (partner and localizer of BRCA2; minus strand). Cytogenetic location: 16p12.2.
Variant type: single nucleotide variant.
Coding change: c.212-1G>A on transcript NM_024675.4 (MANE Select); the canonical splice acceptor site of the intron before coding-DNA position 212, G replaced by A.
Molecular consequence: splice acceptor variant. On other transcripts: intron variant (3).
Genome position (GRCh38, 1-based): chr16:23,636,335, C>T on the plus strand (G>A on the coding strand, the complement: PALB2 is on the minus strand). VCF-style: chr16-23636335-C-T. GRCh37 (hg19) VCF-style: chr16-23647656-C-T.
Other names: c.-674-1G>A (NM_001407308.1, NM_001407306.1, NM_001407307.1 and 5 more transcripts); c.48+4775G>A (NM_001407314.1); c.-105+4775G>A (NM_001407313.1, NM_001407312.1); c.152-1G>A (NM_001407296.1); c.212-1G>A (NM_001407297.1, NM_001407302.1, NM_001407298.1 and 3 more transcripts).
Identifiers: ClinVar variation 921112 (VCV000921112.15), dbSNP rs1597099910, ClinGen allele CA395138998.
Genomic context (GRCh38, chr16:23,636,335, plus strand): 5'-CTTCATCAAGATGGGTTTTGATGTGTAACTTGTCATAAACACATATTTTATTTTTAGGTT[C>T]TGAGGAGGAAAAAAATGTATATAACTTATATTTTTCTTATAAAATAAAACAAAAAATACT-3'